The following is an entry in ClinVar:

ClinVar aggregate classification (germline): Uncertain significance (1 of 4 stars; one submission).

Conditions:
Hereditary cancer-predisposing syndrome. Also called: Tumor predisposition; Hereditary Cancer Syndrome; Hereditary neoplastic syndrome; Neoplastic Syndromes, Hereditary. Identifiers: Orphanet 140162, MedGen C0027672, MeSH D009386, MONDO:0015356.

Submissions (2):

Ambry Genetics
Classification: Uncertain significance for Hereditary cancer-predisposing syndrome. Last evaluated: 2017-02-08. Review status: criteria provided, single submitter. Criteria: Ambry Variant Classification Scheme 2023. Collection method: clinical testing. Allele origin: germline.
Comment: The p.V1792L variant (also known as c.5374G>C), located in coding exon 20 of the BRCA1 gene, results from a G to C substitution at nucleotide position 5374. The valine at codon 1792 is replaced by leucine, an amino acid with highly similar properties. This amino acid position is highly conserved in available vertebrate species. In addition, this alteration is predicted to be deleterious by in silico analysis. Since supporting evidence is limited at this time, the clinical significance of this alteration remains unclear.

Brotman Baty Institute, University of Washington
No classification provided (evidence only). Condition: Breast-ovarian cancer, familial 1. Review status: no classification provided. Collection method: in vitro. Allele origin: not applicable. Functional consequence: functionally_normal. Not counted in ClinVar's aggregate classification.
ClinVar note: "not provided" was previously submitted as the classification for the variant. However, the classification appeared to be based only on an observation of functional data so it was converted to no classification on 2025-07-30.

NM_007294.4(BRCA1):c.5374G>C (p.Val1792Leu)

Gene: BRCA1 (BRCA1 DNA repair associated; minus strand). Cytogenetic location: 17q21.31.
Variant type: single nucleotide variant.
Coding change: c.5374G>C on transcript NM_007294.4 (MANE Select); coding-DNA position 5374, G replaced by C.
Protein change: p.Val1792Leu; replaces valine 1792 with leucine.
Molecular consequence: missense variant. On other transcripts: non-coding transcript variant (1), intron variant (1).
Genome position (GRCh38, 1-based): chr17:43,049,153, C>G on the plus strand (G>C on the coding strand, the complement: BRCA1 is on the minus strand). VCF-style: chr17-43049153-C-G. GRCh37 (hg19) VCF-style: chr17-41201170-C-G.
Other names: c.5161G>C, p.Val1721Leu (NM_001407571.1, NM_001407897.1, NM_001407898.1 and 12 more transcripts); c.5440G>C, p.Val1814Leu (NM_001407581.1, NM_001407582.1); c.5437G>C, p.Val1813Leu (NM_001407583.1, NM_001407585.1, NM_001407587.1 and 1 more transcripts); c.5434G>C, p.Val1812Leu (NM_001407590.1, NM_001407591.1); c.5374G>C, p.Val1792Leu (NM_001407593.1, NM_001407594.1, NM_001407596.1 and 5 more transcripts); c.5371G>C, p.Val1791Leu (NM_001407620.1, NM_001407621.1, NM_001407622.1 and 14 more transcripts); c.5368G>C, p.Val1790Leu (NM_001407627.1, NM_001407628.1, NM_001407639.1 and 13 more transcripts); c.5365G>C, p.Val1789Leu (NM_001407644.1, NM_001407645.1); and 73 more; short protein forms V1792L, V1745L, V688L, V1813L, V1663L, V1665L, V1679L, V1680L.
Identifiers: ClinVar variation 485397 (VCV000485397.8), dbSNP rs1555575131, ClinGen allele CA10590724.